The following is an entry in ClinVar:

NM_003002.4(SDHD):c.88C>T (p.His30Tyr)

Gene: SDHD (succinate dehydrogenase complex subunit D; plus strand). Cytogenetic location: 11q23.1.
Variant type: single nucleotide variant.
Coding change: c.88C>T on transcript NM_003002.4 (MANE Select); coding-DNA position 88, C replaced by T.
Protein change: p.His30Tyr; replaces histidine 30 with tyrosine.
Molecular consequence: missense variant. On other transcripts: non-coding transcript variant (1), intron variant (1).
Genome position (GRCh38, 1-based): chr11:112,087,892, C>T. VCF-style: chr11-112087892-C-T. GRCh37 (hg19) VCF-style: chr11-111958616-C-T.
Other names: c.88C>T, p.His30Tyr (NM_001276503.2, NM_001276506.2); c.52+933C>T (NM_001276504.2); short protein forms H30Y.
Identifiers: ClinVar variation 480802 (VCV000480802.22), dbSNP rs561759202, ClinGen allele CA071577.
Genomic context (GRCh38, chr11:112,087,892, plus strand): 5'-ATCATCCTAATGACTCTTTCCTCAGCTCTGTTGCTTCGAACTCCAGTGGTCAGACCTGCT[C>T]ATATCTCAGCATTTCTTCAGGACCGACCTATCCCAGAATGGTGTGGAGTGCAGCACATAC-3'
Protein context (NP_002993.1, residues 20-40): LLRTPVVRPA[His30Tyr]ISAFLQDRPI

ClinVar aggregate classification (germline): Uncertain significance. Review status: criteria provided, multiple submitters, no conflicts (2 of 4 stars). 5 submissions from 5 submitters: Uncertain significance (5). Last evaluated 2025-12-24.

Conditions:
Paragangliomas with sensorineural hearing loss. Identifiers: MedGen C1868633.
Pheochromocytoma. Also called: MAX-Related Hereditary Paraganglioma-Pheochromocytoma Syndrome. Identifiers: Orphanet 29072, MedGen C0031511, MONDO:0008233, OMIM 171300, HP:0002666.
Cowden syndrome 3 (CWS3). Identifiers: Orphanet 201, MedGen CN166604, MONDO:0014045.
Carney-Stratakis syndrome. Also called: PARAGANGLIOMA AND GASTROINTESTINAL STROMAL TUMOR. Identifiers: Orphanet 97286, MedGen C1847319, MONDO:0011740, OMIM 606864.
Hereditary cancer-predisposing syndrome. Also called: Neoplastic Syndromes, Hereditary; Hereditary neoplastic syndrome; Tumor predisposition; Hereditary Cancer Syndrome. Identifiers: Orphanet 140162, MedGen C0027672, MeSH D009386, MONDO:0015356.
Hereditary pheochromocytoma and paraganglioma. Also called: Hereditary Paraganglioma-Pheochromocytoma Syndromes; Hereditary paragangliomas and pheochromocytomas; Hereditary pheochromocytoma-paraganglioma. Identifiers: Orphanet 29072, MedGen C4274332, MONDO:0017366.

Allele frequency attached by ClinVar (database versions not stated): gnomAD 0.00001; gnomAD exomes 0.00001; TOPMed 0.00001; ExAC 0.00003; 1000 Genomes Project 30x 0.00016; 1000 Genomes Project 0.00020.
gnomAD v4.1: 13 of 1,613,856 alleles (0.00081%); highest among the groups gnomAD compares: East Asian, 0.013%; no homozygotes.

Submissions (5):

Labcorp Genetics (formerly Invitae), Labcorp
Classification: Uncertain significance for Carney-Stratakis syndrome; Paragangliomas with sensorineural hearing loss; Pheochromocytoma; Cowden syndrome 3. Last evaluated: 2025-12-24. Review status: criteria provided, single submitter. Criteria: Invitae Variant Classification Sherloc (09022015). Collection method: clinical testing. Allele origin: germline.
Comment: This sequence change replaces histidine, which is basic and polar, with tyrosine, which is neutral and polar, at codon 30 of the SDHD protein (p.His30Tyr). This variant is present in population databases (rs561759202, gnomAD 0.01%). This missense change has been observed in individual(s) with pheochromocytomas and/or paragangliomas (PMID: 34906457). ClinVar contains an entry for this variant (Variation ID: 480802). Invitae Evidence Modeling of protein sequence and biophysical properties (such as structural, functional, and spatial information, amino acid conservation, physicochemical variation, residue mobility, and thermodynamic stability) indicates that this missense variant is not expected to disrupt SDHD protein function with a negative predictive value of 95%. In summary, the available evidence is currently insufficient to determine the role of this variant in disease. Therefore, it has been classified as a Variant of Uncertain Significance.

Color Diagnostics, LLC DBA Color Health
Classification: Uncertain significance for Hereditary pheochromocytoma and paraganglioma. Last evaluated: 2025-06-12. Review status: criteria provided, single submitter. Criteria: ACMG Guidelines, 2015. Collection method: clinical testing. Allele origin: germline.
Comment: This missense variant replaces histidine with tyrosine at codon 30 of the SDHD protein. Computational prediction is inconclusive regarding the impact of this variant on protein structure and function. To our knowledge, functional studies have not been reported for this variant. This variant has been reported in an individual affected with pheochromocytoma and/or paraganglioma in the literature (PMID: 34906457). This variant has been identified in 5/251472 chromosomes in the general population by the Genome Aggregation Database (gnomAD). The available evidence is insufficient to determine the role of this variant in disease conclusively. Therefore, this variant is classified as a Variant of Uncertain Significance.

Ambry Genetics
Classification: Uncertain significance for Hereditary cancer-predisposing syndrome. Last evaluated: 2025-02-27. Review status: criteria provided, single submitter. Criteria: Ambry Variant Classification Scheme 2023. Collection method: clinical testing. Allele origin: germline.
Comment: The p.H30Y variant (also known as c.88C>T), located in coding exon 2 of the SDHD gene, results from a C to T substitution at nucleotide position 88. The histidine at codon 30 is replaced by tyrosine, an amino acid with similar properties. This amino acid position is not well conserved in available vertebrate species. In addition, the in silico prediction for this alteration is inconclusive. Based on the available evidence, the clinical significance of this variant remains unclear.

GeneDx
Classification: Uncertain significance. Last evaluated: 2023-04-05. Review status: criteria provided, single submitter. Criteria: GeneDx Variant Classification Process June 2021. Collection method: clinical testing. Allele origin: germline. Affected: yes.
Comment: Not observed at significant frequency in large population cohorts (gnomAD); In silico analysis supports that this missense variant does not alter protein structure/function; Reported in an individual who had undergone multi-gene panel testing for paraganglioma/pheochromocytoma susceptibility (Garrett et al., 2022); This variant is associated with the following publications: (PMID: 34906457)

Revvity Omics, Revvity
Classification: Uncertain significance. Last evaluated: 2019-06-07. Review status: criteria provided, single submitter. Criteria: ACMG Guidelines, 2015. Collection method: clinical testing. Allele origin: germline.

Literature cited by the submitters: PubMed 34906457 (cited by Labcorp Genetics (formerly Invitae), Labcorp and Color Diagnostics, LLC DBA Color Health).